The following is an entry in ClinVar:

ClinVar aggregate classification (germline): Pathogenic (0 of 4 stars; one submission).

Conditions:
Primary hyperoxaluria, type I (HP1). Also called: GLYCOLIC ACIDURIA; HEPATIC AGT DEFICIENCY; OXALOSIS I; Primary hyperoxaluria type 1. Identifiers: Orphanet 416, Orphanet 93598, MedGen C0268164, MONDO:0009823, OMIM 259900. Disease mechanism: loss of function.

Allele frequency attached by ClinVar (database versions not stated): TOPMed 0.00002; gnomAD 0.00038.
gnomAD v4.1: 38 of 1,612,864 alleles (0.0024%); highest among the groups gnomAD compares: Non-Finnish European, 0.0019%; no homozygotes.

Submission:

Clinical Biochemistry Laboratory, Health Services Laboratory
Classification: Pathogenic for Primary hyperoxaluria, type I. Last evaluated: 2014-11-27. Review status: no assertion criteria provided. Collection method: in vitro. Allele origin: germline. Affected: yes.
Comment: Found in conjunction with c.33dupC.

Literature cited by the submitters: PubMed 19479957.

NM_000030.3(AGXT):c.28C>T (p.Pro10Ser)

Gene: AGXT (alanine--glyoxylate aminotransferase; plus strand). Cytogenetic location: 2q37.3.
Variant type: single nucleotide variant.
Coding change: c.28C>T on transcript NM_000030.3 (MANE Select); coding-DNA position 28, C replaced by T.
Protein change: p.Pro10Ser; replaces proline 10 with serine.
Molecular consequence: missense variant.
Genome position (GRCh38, 1-based): chr2:240,868,893, C>T. VCF-style: chr2-240868893-C-T. GRCh37 (hg19) VCF-style: chr2-241808310-C-T.
Other names: short protein forms P10S.
Identifiers: ClinVar variation 204068 (VCV000204068.2), dbSNP rs180177191, ClinGen allele CA275619.
Genomic context (GRCh38, chr2:240,868,893, plus strand): 5'-CCAGGTTCCCGAGCGGCAGGTTGGGTGCGGACCATGGCCTCTCACAAGCTGCTGGTGACC[C>T]CCCCCAAGGCCCTGCTCAAGCCCCTCTCCATCCCCAACCAGCTCCTGCTGGGGCCTGGTC-3'
Protein context (NP_000021.1, residues 1-20): MASHKLLVT[Pro10Ser]PKALLKPLSI